The following is an entry in ClinVar:

ClinVar aggregate classification (germline): Uncertain significance. Review status: criteria provided, multiple submitters, no conflicts (2 of 4 stars). 2 submissions from 2 submitters: Uncertain significance (2). Last evaluated 2024-12-12.

Conditions:
Inborn genetic diseases. Identifiers: MedGen C0950123, MeSH D030342.
Baller-Gerold syndrome (BGS). Also called: CRANIOSYNOSTOSIS WITH RADIAL DEFECTS. Identifiers: Orphanet 1225, MedGen C0265308, MONDO:0009039, OMIM 218600.

Allele frequency attached by ClinVar (database versions not stated): TOPMed 0.00001; gnomAD exomes 0.00002 and 0.00004; ExAC 0.00007; gnomAD 0.00001.
gnomAD v4.1: 29 of 1,591,796 alleles (0.0018%); highest among the groups gnomAD compares: East Asian, 0.014%; no homozygotes.

Submissions (2):

Ambry Genetics
Classification: Uncertain significance for Inborn genetic diseases. Last evaluated: 2024-12-12. Review status: criteria provided, single submitter. Criteria: Ambry Variant Classification Scheme 2023. Collection method: clinical testing. Allele origin: germline.
Comment: The p.D712N variant (also known as c.2134G>A), located in coding exon 13 of the RECQL4 gene, results from a G to A substitution at nucleotide position 2134. The aspartic acid at codon 712 is replaced by asparagine, an amino acid with highly similar properties. This amino acid position is conserved. In addition, this alteration is predicted to be tolerated by in silico analysis. Based on the available evidence, the clinical significance of this variant remains unclear.

Labcorp Genetics (formerly Invitae), Labcorp
Classification: Uncertain significance for Baller-Gerold syndrome. Last evaluated: 2024-05-20. Review status: criteria provided, single submitter. Criteria: Invitae Variant Classification Sherloc (09022015). Collection method: clinical testing. Allele origin: germline.
Comment: This sequence change replaces aspartic acid, which is acidic and polar, with asparagine, which is neutral and polar, at codon 712 of the RECQL4 protein (p.Asp712Asn). This variant is present in population databases (rs753254336, gnomAD 0.02%). This variant has not been reported in the literature in individuals affected with RECQL4-related conditions. ClinVar contains an entry for this variant (Variation ID: 406899). Advanced modeling of protein sequence and biophysical properties (such as structural, functional, and spatial information, amino acid conservation, physicochemical variation, residue mobility, and thermodynamic stability) performed at Invitae indicates that this missense variant is expected to disrupt RECQL4 protein function with a positive predictive value of 80%. In summary, the available evidence is currently insufficient to determine the role of this variant in disease. Therefore, it has been classified as a Variant of Uncertain Significance.

NM_004260.4(RECQL4):c.2134G>A (p.Asp712Asn)

Gene: RECQL4 (RecQ like helicase 4; minus strand). Cytogenetic location: 8q24.3.
Variant type: single nucleotide variant.
Coding change: c.2134G>A on transcript NM_004260.4 (MANE Select); coding-DNA position 2134, G replaced by A.
Protein change: p.Asp712Asn; replaces aspartic acid 712 with asparagine.
Molecular consequence: missense variant.
Genome position (GRCh38, 1-based): chr8:144,513,637, C>T on the plus strand (G>A on the coding strand, the complement: RECQL4 is on the minus strand). VCF-style: chr8-144513637-C-T. GRCh37 (hg19) VCF-style: chr8-145739021-C-T.
Other names: short protein forms D712N.
Identifiers: ClinVar variation 406899 (VCV000406899.8), dbSNP rs753254336, ClinGen allele CA4948454.